The following is an entry in ClinVar:

NM_004990.4(MARS1):c.2200G>A (p.Asp734Asn)

Gene: MARS1 (methionyl-tRNA synthetase 1; plus strand). Cytogenetic location: 12q13.3.
Variant type: single nucleotide variant.
Coding change: c.2200G>A on transcript NM_004990.4 (MANE Select); coding-DNA position 2200, G replaced by A.
Protein change: p.Asp734Asn; replaces aspartic acid 734 with asparagine.
Molecular consequence: missense variant.
Genome position (GRCh38, 1-based): chr12:57,515,054, G>A. VCF-style: chr12-57515054-G-A. GRCh37 (hg19) VCF-style: chr12-57908837-G-A.
Other names: short protein forms D734N.
Identifiers: ClinVar variation 1799871 (VCV001799871.2), dbSNP rs1877720255, ClinGen allele CA385465754.

ClinVar aggregate classification (germline): Uncertain significance (1 of 4 stars; one submission).

Allele frequency attached by ClinVar (database versions not stated): gnomAD exomes below 0.00001.
gnomAD v4.1: 1 of 1,614,216 alleles (0.000062%); highest among the groups gnomAD compares: Non-Finnish European, 0.000085%; no homozygotes.

Submission:

Ambry Genetics
Classification: Uncertain significance. Last evaluated: 2021-09-11. Review status: criteria provided, single submitter. Criteria: Ambry Variant Classification Scheme 2023. Collection method: clinical testing. Allele origin: germline.
Comment: The p.D734N variant (also known as c.2200G>A), located in coding exon 17 of the MARS gene, results from a G to A substitution at nucleotide position 2200. The aspartic acid at codon 734 is replaced by asparagine, an amino acid with highly similar properties. This amino acid position is conserved. In addition, this alteration is predicted to be tolerated by in silico analysis. Since supporting evidence is limited at this time, the clinical significance of this alteration remains unclear.